The following is an entry in ClinVar:

ClinVar aggregate classification (germline): Uncertain significance (1 of 4 stars; one submission).

Allele frequency attached by ClinVar (database versions not stated): gnomAD exomes below 0.00001; ExAC 0.00001.
gnomAD v4.1: 2 of 1,613,914 alleles (0.00012%); highest among the groups gnomAD compares: Middle Eastern, 0.017%; no homozygotes.

Submission:

Labcorp Genetics (formerly Invitae), Labcorp
Classification: Uncertain significance. Last evaluated: 2024-11-27. Review status: criteria provided, single submitter. Criteria: Invitae Variant Classification Sherloc (09022015). Collection method: clinical testing. Allele origin: germline.
Comment: This sequence change replaces proline, which is neutral and non-polar, with alanine, which is neutral and non-polar, at codon 95 of the SEMA4A protein (p.Pro95Ala). This variant is present in population databases (rs774683776, gnomAD 0.0009%). This variant has not been reported in the literature in individuals affected with SEMA4A-related conditions. ClinVar contains an entry for this variant (Variation ID: 1508934). An algorithm developed to predict the effect of missense changes on protein structure and function (PolyPhen-2) suggests that this variant is likely to be tolerated. In summary, the available evidence is currently insufficient to determine the role of this variant in disease. Therefore, it has been classified as a Variant of Uncertain Significance.

NM_022367.4(SEMA4A):c.283C>G (p.Pro95Ala)

Gene: SEMA4A (semaphorin 4A; plus strand). Cytogenetic location: 1q22.
Variant type: single nucleotide variant.
Coding change: c.283C>G on transcript NM_022367.4 (MANE Select); coding-DNA position 283, C replaced by G.
Protein change: p.Pro95Ala; replaces proline 95 with alanine.
Molecular consequence: missense variant. On other transcripts: 5 prime UTR variant (4).
Genome position (GRCh38, 1-based): chr1:156,156,557, C>G. VCF-style: chr1-156156557-C-G. GRCh37 (hg19) VCF-style: chr1-156126348-C-G.
Other names: c.283C>G, p.Pro95Ala (NM_001193300.2, NM_001193301.2, NM_001370567.1); c.-15C>G (NM_001193302.2, NM_001370568.1); c.-242C>G (NM_001370569.1, NM_001370571.1); short protein forms P95A.
Identifiers: ClinVar variation 1508934 (VCV001508934.8), dbSNP rs774683776, ClinGen allele CA1154964.